The following is an entry in ClinVar:

ClinVar aggregate classification (germline): Conflicting classifications of pathogenicity. Review status: criteria provided, conflicting classifications (1 of 4 stars). 5 submissions from 5 submitters: Uncertain significance (1); Likely benign (3). 1 of the submissions does not count toward it. Last evaluated 2026-02-04.

Conditions:
Citrullinemia type I (CTNL1). Also called: ASS DEFICIENCY; argininosuccinate synthetase deficiency. Identifiers: Orphanet 247525, MedGen C4721769, MONDO:0008988, OMIM 215700.
ASS1-related disorder. Also called: ASS1-related condition.
Citrullinemia. Identifiers: Orphanet 187, MedGen C0175683, MONDO:0015991.

Allele frequency attached by ClinVar (database versions not stated): 1000 Genomes Project 0.00060; 1000 Genomes Project 30x 0.00062; ExAC 0.00079; gnomAD 0.00099; ESP Exome Variant Server 0.00108; TOPMed 0.00159.
gnomAD v4.1: 2,513 of 1,613,860 alleles (0.16%); highest among the groups gnomAD compares: Admixed American, 0.26%; no homozygotes.

Submissions (5):

Labcorp Genetics (formerly Invitae), Labcorp
Classification: Likely benign for Citrullinemia. Last evaluated: 2026-02-04. Review status: criteria provided, single submitter. Criteria: Invitae Variant Classification Sherloc (09022015). Collection method: clinical testing. Allele origin: germline.

Blueprint Genetics
Classification: Likely benign. Last evaluated: 2024-11-27. Review status: criteria provided, single submitter. Criteria: ACMG Guidelines, 2015. Collection method: clinical testing. Allele origin: germline.

GeneDx
Classification: Likely benign. Last evaluated: 2018-06-17. Review status: criteria provided, single submitter. Criteria: GeneDx Variant Classification Process June 2021. Collection method: clinical testing. Allele origin: germline. Affected: yes.

Illumina Laboratory Services, Illumina
Classification: Uncertain significance for Citrullinemia type I. Last evaluated: 2018-01-13. Review status: criteria provided, single submitter. Criteria: ICSL Variant Classification Criteria 13 December 2019. Collection method: clinical testing. Allele origin: germline.

PreventionGenetics, part of Exact Sciences
Classification: Likely benign for ASS1-related condition. Last evaluated: 2022-05-12. Review status: no assertion criteria provided. Collection method: clinical testing. Allele origin: germline. Not counted in ClinVar's aggregate classification.
Comment: This variant is classified as likely benign based on ACMG/AMP sequence variant interpretation guidelines (Richards et al. 2015 PMID: 25741868, with internal and published modifications).

NM_054012.4(ASS1):c.420+13T>G

Gene: ASS1 (argininosuccinate synthase 1; plus strand). Cytogenetic location: 9q34.11.
Variant type: single nucleotide variant.
Coding change: c.420+13T>G on transcript NM_054012.4 (MANE Select); 13 bases into the intron after coding-DNA position 420, T replaced by G.
Molecular consequence: intron variant.
Genome position (GRCh38, 1-based): chr9:130,464,180, T>G. VCF-style: chr9-130464180-T-G. GRCh37 (hg19) VCF-style: chr9-133339567-T-G.
Other names: c.420+13T>G (NM_000050.4).
Identifiers: ClinVar variation 365254 (VCV000365254.24), dbSNP rs201883474, ClinGen allele CA5283271.
Genomic context (GRCh38, chr9:130,464,180, plus strand): 5'-CAGGTCCGGTTTGAGCTCAGCTGCTACTCACTGGCCCCCCAGATAAAGGTAGGATGTGGC[T>G]CCTCCCCTTAGCAGGGAGCACTAGCATCTGCAGCACCTGATGGGGAGGAGGGCACAGGGT-3'